The following is an entry in ClinVar:

NM_015650.4(TRAF3IP1):c.1910+8G>T

Gene: TRAF3IP1 (TRAF3 interacting protein 1; plus strand). Cytogenetic location: 2q37.3.
Variant type: single nucleotide variant.
Coding change: c.1910+8G>T on transcript NM_015650.4 (MANE Select); 8 bases into the intron after coding-DNA position 1910, G replaced by T.
Molecular consequence: intron variant.
Genome position (GRCh38, 1-based): chr2:238,397,687, G>T. VCF-style: chr2-238397687-G-T. GRCh37 (hg19) VCF-style: chr2-239306328-G-T.
Other names: c.1712+8G>T (NM_001139490.1).
Identifiers: ClinVar variation 1931801 (VCV001931801.5), dbSNP rs1177742598, ClinGen allele CA2580067932.

ClinVar aggregate classification (germline): Uncertain significance (1 of 4 stars; one submission).

Submission:

Labcorp Genetics (formerly Invitae), Labcorp
Classification: Uncertain significance. Last evaluated: 2024-10-25. Review status: criteria provided, single submitter. Criteria: Invitae Variant Classification Sherloc (09022015). Collection method: clinical testing. Allele origin: germline.
Comment: This sequence change falls in intron 16 of the TRAF3IP1 gene. It does not directly change the encoded amino acid sequence of the TRAF3IP1 protein. This variant is not present in population databases (gnomAD no frequency). This variant has not been reported in the literature in individuals affected with TRAF3IP1-related conditions. ClinVar contains an entry for this variant (Variation ID: 1931801). Algorithms developed to predict the effect of sequence changes on RNA splicing suggest that this variant may create or strengthen a splice site. In summary, the available evidence is currently insufficient to determine the role of this variant in disease. Therefore, it has been classified as a Variant of Uncertain Significance.